The following is an entry in ClinVar:

ClinVar aggregate classification (germline): Uncertain significance (1 of 4 stars; one submission).

gnomAD v4.1: 5 of 1,613,724 alleles (0.00031%); highest among the groups gnomAD compares: Non-Finnish European, 0.00042%; no homozygotes.

Submission:

Labcorp Genetics (formerly Invitae), Labcorp
Classification: Uncertain significance. Last evaluated: 2020-01-03. Review status: criteria provided, single submitter. Criteria: Invitae Variant Classification Sherloc (09022015). Collection method: clinical testing. Allele origin: germline.
Comment: This sequence change replaces arginine with proline at codon 134 of the PROM1 protein (p.Arg134Pro). The arginine residue is highly conserved and there is a moderate physicochemical difference between arginine and proline. This variant is not present in population databases (ExAC no frequency). In summary, the available evidence is currently insufficient to determine the role of this variant in disease. Therefore, it has been classified as a Variant of Uncertain Significance. Algorithms developed to predict the effect of missense changes on protein structure and function are either unavailable or do not agree on the potential impact of this missense change (SIFT: "Tolerated"; PolyPhen-2: "Probably Damaging"; Align-GVGD: "Class C0"). This variant has not been reported in the literature in individuals with PROM1-related conditions.

NM_006017.3(PROM1):c.401G>C (p.Arg134Pro)

Gene: PROM1 (prominin 1; minus strand). Cytogenetic location: 4p15.32.
Variant type: single nucleotide variant.
Coding change: c.401G>C on transcript NM_006017.3 (MANE Select); coding-DNA position 401, G replaced by C.
Protein change: p.Arg134Pro; replaces arginine 134 with proline.
Molecular consequence: missense variant.
Genome position (GRCh38, 1-based): chr4:16,033,412, C>G on the plus strand (G>C on the coding strand, the complement: PROM1 is on the minus strand). VCF-style: chr4-16033412-C-G. GRCh37 (hg19) VCF-style: chr4-16035035-C-G.
Other names: c.374G>C, p.Arg125Pro (NM_001145847.2, NM_001145848.2, NM_001145851.2 and 4 more transcripts); c.401G>C, p.Arg134Pro (NM_001145849.2, NM_001145850.2); short protein forms R125P, R134P.
Identifiers: ClinVar variation 1050957 (VCV001050957.9), dbSNP rs749128711, ClinGen allele CA356427717.